The following is an entry in ClinVar:

NM_017882.3(CLN6):c.773A>G (p.Asn258Ser)

Gene: CLN6 (CLN6 transmembrane ER protein; minus strand). Cytogenetic location: 15q23.
Variant type: single nucleotide variant.
Coding change: c.773A>G on transcript NM_017882.3 (MANE Select); coding-DNA position 773, A replaced by G.
Protein change: p.Asn258Ser; replaces asparagine 258 with serine.
Molecular consequence: missense variant.
Genome position (GRCh38, 1-based): chr15:68,208,303, T>C on the plus strand (A>G on the coding strand, the complement: CLN6 is on the minus strand). VCF-style: chr15-68208303-T-C. GRCh37 (hg19) VCF-style: chr15-68500641-T-C.
Other names: c.869A>G, p.Asn290Ser (NM_001411068.1); short protein forms N258S, N290S.
Identifiers: ClinVar variation 2057579 (VCV002057579.1), dbSNP rs1287447955, ClinGen allele CA392971977.
Genomic context (GRCh38, chr15:68,208,303, plus strand): 5'-GCGACCCAGAGCGCCACAAGCAAGAGGGTCAGTGCGAAGGAGGAGAAGAGGAAGAGGCCG[T>C]TGCTGTCCAGGAAGAGGCGCTTGCGCTTCTGGTGCAGGACGAGGGCCAGCATGGCGAAGA-3'
Protein context (NP_060352.1, residues 248-268): QKRKRLFLDS[Asn258Ser]GLFLFSSFAL

ClinVar aggregate classification (germline): Uncertain significance (1 of 4 stars; one submission).

Conditions:
Neuronal ceroid lipofuscinosis. Also called: Neuronal Ceroid Lipofuscinoses. Identifiers: Orphanet 216, Orphanet 79263, MedGen C0027877, MONDO:0016295. Disease mechanism: loss of function.

Allele frequency attached by ClinVar (database versions not stated): gnomAD exomes 0.00001.
gnomAD v4.1: 9 of 1,614,096 alleles (0.00056%); highest among the groups gnomAD compares: South Asian, 0.0011%; no homozygotes.

Submission:

Labcorp Genetics (formerly Invitae), Labcorp
Classification: Uncertain significance for Neuronal ceroid lipofuscinosis. Last evaluated: 2021-12-24. Review status: criteria provided, single submitter. Criteria: Invitae Variant Classification Sherloc (09022015). Collection method: clinical testing. Allele origin: germline.
Comment: This sequence change replaces asparagine, which is neutral and polar, with serine, which is neutral and polar, at codon 258 of the CLN6 protein (p.Asn258Ser). This variant is present in population databases (no rsID available, gnomAD 0.003%). This variant has not been reported in the literature in individuals affected with CLN6-related conditions. Algorithms developed to predict the effect of missense changes on protein structure and function are either unavailable or do not agree on the potential impact of this missense change (SIFT: "Deleterious"; PolyPhen-2: "Probably Damaging"; Align-GVGD: "Class C0"). Algorithms developed to predict the effect of sequence changes on RNA splicing suggest that this variant may create or strengthen a splice site. In summary, the available evidence is currently insufficient to determine the role of this variant in disease. Therefore, it has been classified as a Variant of Uncertain Significance.